The following is an entry in ClinVar:

NM_177438.3(DICER1):c.4931T>C (p.Ile1644Thr)

Gene: DICER1 (dicer 1, ribonuclease III; minus strand). Cytogenetic location: 14q32.13.
Variant type: single nucleotide variant.
Coding change: c.4931T>C on transcript NM_177438.3 (MANE Select); coding-DNA position 4931, T replaced by C.
Protein change: p.Ile1644Thr; replaces isoleucine 1644 with threonine.
Molecular consequence: missense variant. On other transcripts: non-coding transcript variant (6).
Genome position (GRCh38, 1-based): chr14:95,095,989, A>G on the plus strand (T>C on the coding strand, the complement: DICER1 is on the minus strand). VCF-style: chr14-95095989-A-G. GRCh37 (hg19) VCF-style: chr14-95562326-A-G.
Other names: c.4931T>C, p.Ile1644Thr (NM_001195573.1, NM_001271282.3, NM_001291628.2 and 13 more transcripts); c.4649T>C, p.Ile1550Thr (NM_001395686.1); c.4526T>C, p.Ile1509Thr (NM_001395687.1, NM_001395688.1, NM_001395689.1 and 2 more transcripts); c.4364T>C, p.Ile1455Thr (NM_001395691.1); c.3248T>C, p.Ile1083Thr (NM_001395697.1); short protein forms I1455T, I1550T, I1083T, I1509T, I1644T.
Identifiers: ClinVar variation 2697039 (VCV002697039.3), dbSNP rs1566753944, ClinGen allele CA390866287.

ClinVar aggregate classification (germline): Uncertain significance (1 of 4 stars; one submission).

Conditions:
DICER1-related tumor predisposition. Also called: DICER1-related pleuropulmonary blastoma cancer predisposition syndrome; DICER1 syndrome. Identifiers: Orphanet 284343, MedGen C3839822, MONDO:0100216.

Submission:

Labcorp Genetics (formerly Invitae), Labcorp
Classification: Uncertain significance for DICER1-related tumor predisposition. Last evaluated: 2023-11-18. Review status: criteria provided, single submitter. Criteria: Invitae Variant Classification Sherloc (09022015). Collection method: clinical testing. Allele origin: germline.
Comment: This sequence change replaces isoleucine, which is neutral and non-polar, with threonine, which is neutral and polar, at codon 1644 of the DICER1 protein (p.Ile1644Thr). This variant is not present in population databases (gnomAD no frequency). This variant has not been reported in the literature in individuals affected with DICER1-related conditions. An algorithm developed to predict the effect of missense changes on protein structure and function (PolyPhen-2) suggests that this variant is likely to be disruptive. In summary, the available evidence is currently insufficient to determine the role of this variant in disease. Therefore, it has been classified as a Variant of Uncertain Significance.